The following is an entry in ClinVar:

ClinVar aggregate classification (germline): Uncertain significance. Review status: criteria provided, multiple submitters, no conflicts (2 of 4 stars). 2 submissions from 2 submitters: Uncertain significance (2). Last evaluated 2026-03-04.

Conditions:
Osteogenesis imperfecta type I (OI1). Also called: Classic Non-deforming Osteogenesis Imperfecta with Blue Sclerae; OI, TYPE I; OSTEOGENESIS IMPERFECTA TARDA; OSTEOGENESIS IMPERFECTA WITH BLUE SCLERAE; Osteogenesis imperfecta type 1; Lobstein's Disease. Identifiers: Orphanet 216796, Orphanet 666, MedGen C0023931, MONDO:0008146, OMIM 166200. Disease mechanism: loss of function.

Allele frequency attached by ClinVar (database versions not stated): gnomAD exomes below 0.00001.
gnomAD v4.1: 5 of 1,613,178 alleles (0.00031%); highest among the groups gnomAD compares: Non-Finnish European, 0.00042%; no homozygotes.

Submissions (2):

Women's Health and Genetics/Laboratory Corporation of America, LabCorp
Classification: Uncertain significance. Last evaluated: 2026-03-04. Review status: criteria provided, single submitter. Criteria: LabCorp Variant Classification Summary - May 2015. Collection method: clinical testing. Allele origin: germline.
Comment: Variant summary: COL1A1 c.4248+6T>C alters a conserved nucleotide located close to a canonical splice site and therefore could affect mRNA splicing, leading to a significantly altered protein sequence. Consensus agreement among computation tools predict no significant impact on normal splicing. However, these predictions have yet to be confirmed by functional studies. The variant was absent in 250270 control chromosomes. The available data on variant occurrences in the general population are insufficient to allow any conclusion about variant significance. c.4248+6T>C has been observed in individual(s) affected with clinical features of Ehlers-Danlos Syndrome (e.g., Venable_2023). These report(s) do not provide unequivocal conclusions about association of the variant with Ehlers-Danlos Syndrome. To our knowledge, no experimental evidence demonstrating an impact on protein function has been reported. The following publication has been ascertained in the context of this evaluation (PMID: 36896471). ClinVar contains an entry for this variant (Variation ID: 2165358). Based on the evidence outlined above, the variant was classified as uncertain significance.

Labcorp Genetics (formerly Invitae), Labcorp
Classification: Uncertain significance for Osteogenesis imperfecta type I. Last evaluated: 2025-08-11. Review status: criteria provided, single submitter. Criteria: Invitae Variant Classification Sherloc (09022015). Collection method: clinical testing. Allele origin: germline.
Comment: This sequence change falls in intron 50 of the COL1A1 gene. It does not directly change the encoded amino acid sequence of the COL1A1 protein. It affects a nucleotide within the consensus splice site. This variant is not present in population databases (gnomAD no frequency). This variant has not been reported in the literature in individuals affected with COL1A1-related conditions. ClinVar contains an entry for this variant (Variation ID: 2165358). Variants that disrupt the consensus splice site are a relatively common cause of aberrant splicing (PMID: 17576681, 9536098). Algorithms developed to predict the effect of sequence changes on RNA splicing suggest that this variant is not likely to affect RNA splicing. In summary, the available evidence is currently insufficient to determine the role of this variant in disease. Therefore, it has been classified as a Variant of Uncertain Significance.

Literature cited by the submitters: PubMed 36896471 (cited by Women's Health and Genetics/Laboratory Corporation of America, LabCorp); PubMed 17576681 (cited by Labcorp Genetics (formerly Invitae), Labcorp); PubMed 9536098 (cited by Labcorp Genetics (formerly Invitae), Labcorp).

NM_000088.4(COL1A1):c.4248+6T>C

Gene: COL1A1 (collagen type I alpha 1 chain; minus strand). Cytogenetic location: 17q21.33.
Variant type: single nucleotide variant.
Coding change: c.4248+6T>C on transcript NM_000088.4 (MANE Select); 6 bases into the intron after coding-DNA position 4248, T replaced by C.
Molecular consequence: intron variant.
Genome position (GRCh38, 1-based): chr17:50,185,772, A>G on the plus strand (T>C on the coding strand, the complement: COL1A1 is on the minus strand). VCF-style: chr17-50185772-A-G. GRCh37 (hg19) VCF-style: chr17-48263133-A-G.
Identifiers: ClinVar variation 2165358 (VCV002165358.5), dbSNP rs1008090206, ClinGen allele CA291542784.